The following is an entry in ClinVar:

ClinVar aggregate classification (germline): Uncertain significance (1 of 4 stars; one submission).

Conditions:
RAI1-related disorder. Also called: RAI1-related condition.

Submission:

PreventionGenetics, part of Exact Sciences
Classification: Uncertain significance for RAI1-related condition. Last evaluated: 2025-05-06. Review status: criteria provided, single submitter. Criteria: ACMG Guidelines, 2015. Collection method: clinical testing. Allele origin: germline.
Comment: The RAI1 c.4344C>G variant is predicted to result in the amino acid substitution p.Ser1448Arg. To our knowledge, this variant has not been reported in the literature or in a large population database (gnomAD), indicating this variant is rare. At this time, the clinical significance of this variant is uncertain due to the absence of conclusive functional and genetic evidence.

NM_030665.4(RAI1):c.4344C>G (p.Ser1448Arg)

Gene: RAI1 (retinoic acid induced 1; plus strand). Cytogenetic location: 17p11.2.
Variant type: single nucleotide variant.
Coding change: c.4344C>G on transcript NM_030665.4 (MANE Select); coding-DNA position 4344, C replaced by G.
Protein change: p.Ser1448Arg; replaces serine 1448 with arginine.
Molecular consequence: missense variant.
Genome position (GRCh38, 1-based): chr17:17,797,292, C>G. VCF-style: chr17-17797292-C-G. GRCh37 (hg19) VCF-style: chr17-17700606-C-G.
Other names: short protein forms S1448R.
Identifiers: ClinVar variation 4999446 (VCV004999446.1).